The following is an entry in ClinVar:

NM_000179.3(MSH6):c.2095G>A (p.Glu699Lys)

Gene: MSH6 (mutS homolog 6; plus strand). Cytogenetic location: 2p16.3.
Variant type: single nucleotide variant.
Coding change: c.2095G>A on transcript NM_000179.3 (MANE Select); coding-DNA position 2095, G replaced by A.
Protein change: p.Glu699Lys; replaces glutamic acid 699 with lysine.
Molecular consequence: missense variant.
Genome position (GRCh38, 1-based): chr2:47,800,078, G>A. VCF-style: chr2-47800078-G-A. GRCh37 (hg19) VCF-style: chr2-48027217-G-A.
Other names: c.1705G>A, p.Glu569Lys (NM_001281492.2); c.1189G>A, p.Glu397Lys (NM_001281493.2, NM_001281494.2); short protein forms E569K, E397K, E699K.
Identifiers: ClinVar variation 1440264 (VCV001440264.10), dbSNP rs1553413470, ClinGen allele CA346750877.

ClinVar aggregate classification (germline): Uncertain significance. Review status: criteria provided, multiple submitters, no conflicts (2 of 4 stars). 2 submissions from 2 submitters: Uncertain significance (2). Last evaluated 2021-10-27.

Conditions:
Hereditary nonpolyposis colorectal neoplasms. Identifiers: MedGen C0009405, MeSH D003123.
Hereditary cancer-predisposing syndrome. Also called: Neoplastic Syndromes, Hereditary; Hereditary Cancer Syndrome; Hereditary neoplastic syndrome; Tumor predisposition. Identifiers: Orphanet 140162, MedGen C0027672, MeSH D009386, MONDO:0015356.

Submissions (2):

Ambry Genetics
Classification: Uncertain significance for Hereditary cancer-predisposing syndrome. Last evaluated: 2021-10-27. Review status: criteria provided, single submitter. Criteria: Ambry Variant Classification Scheme 2023. Collection method: clinical testing. Allele origin: germline.
Comment: The p.E699K variant (also known as c.2095G>A), located in coding exon 4 of the MSH6 gene, results from a G to A substitution at nucleotide position 2095. The glutamic acid at codon 699 is replaced by lysine, an amino acid with similar properties. This amino acid position is highly conserved in available vertebrate species. In addition, this alteration is predicted to be deleterious by in silico analysis. Since supporting evidence is limited at this time, the clinical significance of this alteration remains unclear.

Labcorp Genetics (formerly Invitae), Labcorp
Classification: Uncertain significance for Hereditary nonpolyposis colorectal neoplasms. Last evaluated: 2021-03-31. Review status: criteria provided, single submitter. Criteria: Invitae Variant Classification Sherloc (09022015). Collection method: clinical testing. Allele origin: germline.
Comment: This sequence change replaces glutamic acid with lysine at codon 699 of the MSH6 protein (p.Glu699Lys). The glutamic acid residue is highly conserved and there is a small physicochemical difference between glutamic acid and lysine. This variant is not present in population databases (ExAC no frequency). This variant has not been reported in the literature in individuals with MSH6-related conditions. Algorithms developed to predict the effect of missense changes on protein structure and function are either unavailable or do not agree on the potential impact of this missense change (SIFT: "Deleterious"; PolyPhen-2: "Probably Damaging"; Align-GVGD: "Class C15"). In summary, the available evidence is currently insufficient to determine the role of this variant in disease. Therefore, it has been classified as a Variant of Uncertain Significance.

Literature cited by the submitters: PubMed 31857677 (cited by Ambry Genetics).